The following is an entry in ClinVar:

NM_006445.4(PRPF8):c.5231G>A (p.Arg1744His)

Gene: PRPF8 (pre-mRNA processing factor 8; minus strand). Cytogenetic location: 17p13.3.
Variant type: single nucleotide variant.
Coding change: c.5231G>A on transcript NM_006445.4 (MANE Select); coding-DNA position 5231, G replaced by A.
Protein change: p.Arg1744His; replaces arginine 1744 with histidine.
Molecular consequence: missense variant.
Genome position (GRCh38, 1-based): chr17:1,658,671, C>T on the plus strand (G>A on the coding strand, the complement: PRPF8 is on the minus strand). VCF-style: chr17-1658671-C-T. GRCh37 (hg19) VCF-style: chr17-1561965-C-T.
Other names: short protein forms R1744H.
Identifiers: ClinVar variation 1025222 (VCV001025222.6), dbSNP rs1911521689, ClinGen allele CA397573088.
Genomic context (GRCh38, chr17:1,658,671, plus strand): 5'-GACAAATAAGGCTCAGTGGGTTCAGATGAATAGAGCTGTAGCCCCTTGCGGATCCGTTCA[C>T]GTAACACATACAGGGCAGGGTTTGCCTTCATGATCTTGGCCATGGCCTGTTGTATGAGAG-3'
Protein context (NP_006436.3, residues 1734-1754): MKANPALYVL[Arg1744His]ERIRKGLQLY

ClinVar aggregate classification (germline): Uncertain significance. Review status: criteria provided, multiple submitters, no conflicts (2 of 4 stars). 2 submissions from 2 submitters: Uncertain significance (2). Last evaluated 2025-02-16.

Allele frequency attached by ClinVar (database versions not stated): gnomAD exomes below 0.00001; gnomAD 0.00001.
gnomAD v4.1: 2 of 1,614,112 alleles (0.00012%); highest among the groups gnomAD compares: Non-Finnish European, 0.00017%; no homozygotes.

Submissions (2):

Laboratory of Genetics, Children's Clinical University Hospital Latvia
Classification: Uncertain significance. Last evaluated: 2025-02-16. Review status: criteria provided, single submitter. Criteria: ACMG Guidelines, 2015. Collection method: clinical testing. Allele origin: germline. Affected: yes.

Labcorp Genetics (formerly Invitae), Labcorp
Classification: Uncertain significance. Last evaluated: 2020-07-22. Review status: criteria provided, single submitter. Criteria: Invitae Variant Classification Sherloc (09022015). Collection method: clinical testing. Allele origin: germline.
Comment: This variant has not been reported in the literature in individuals with PRPF8-related conditions. Algorithms developed to predict the effect of missense changes on protein structure and function are either unavailable or do not agree on the potential impact of this missense change (SIFT: "Deleterious"; PolyPhen-2: "Probably Damaging"; Align-GVGD: "Class C0"). In summary, the available evidence is currently insufficient to determine the role of this variant in disease. Therefore, it has been classified as a Variant of Uncertain Significance. This variant is not present in population databases (ExAC no frequency). This sequence change replaces arginine with histidine at codon 1744 of the PRPF8 protein (p.Arg1744His). The arginine residue is highly conserved and there is a small physicochemical difference between arginine and histidine.